The following is an entry in ClinVar:

ClinVar aggregate classification (germline): Uncertain significance (1 of 4 stars; one submission).

Conditions:
Tuberous sclerosis 2 (TSC2). Identifiers: Orphanet 805, MedGen C1860707, MONDO:0013199, OMIM 613254.

Submission:

Labcorp Genetics (formerly Invitae), Labcorp
Classification: Uncertain significance for Tuberous sclerosis 2. Last evaluated: 2021-06-19. Review status: criteria provided, single submitter. Criteria: Invitae Variant Classification Sherloc (09022015). Collection method: clinical testing. Allele origin: germline.
Comment: In summary, the available evidence is currently insufficient to determine the role of this variant in disease. Therefore, it has been classified as a Variant of Uncertain Significance. Advanced modeling of protein sequence and biophysical properties (such as structural, functional, and spatial information, amino acid conservation, physicochemical variation, residue mobility, and thermodynamic stability) performed at Invitae indicates that this missense variant is expected to disrupt TSC2 protein function. This variant has not been reported in the literature in individuals with TSC2-related conditions. This variant is not present in population databases (ExAC no frequency). This sequence change replaces leucine with arginine at codon 780 of the TSC2 protein (p.Leu780Arg). The leucine residue is highly conserved and there is a moderate physicochemical difference between leucine and arginine.

NM_000548.5(TSC2):c.2339T>G (p.Leu780Arg)

Gene: TSC2 (TSC complex subunit 2; plus strand). Cytogenetic location: 16p13.3.
Variant type: single nucleotide variant.
Coding change: c.2339T>G on transcript NM_000548.5 (MANE Select); coding-DNA position 2339, T replaced by G.
Protein change: p.Leu780Arg; replaces leucine 780 with arginine.
Molecular consequence: missense variant.
Genome position (GRCh38, 1-based): chr16:2,072,967, T>G. VCF-style: chr16-2072967-T-G. GRCh37 (hg19) VCF-style: chr16-2122968-T-G.
Other names: c.2339T>G, p.Leu780Arg (NM_001077183.3, NM_001114382.3, NM_001363528.2 and 3 more transcripts); c.2228T>G, p.Leu743Arg (NM_001318827.2); c.2192T>G, p.Leu731Arg (NM_001318829.2); c.1739T>G, p.Leu580Arg (NM_001318831.2); c.2372T>G, p.Leu791Arg (NM_001318832.2); short protein forms L580R, L780R, L731R, L743R, L791R.
Identifiers: ClinVar variation 1449704 (VCV001449704.8), dbSNP rs2151328709, ClinGen allele CA394276683.